The following is an entry in ClinVar:

ClinVar aggregate classification (germline): Uncertain significance (1 of 4 stars; one submission).

gnomAD v4.1: 3 of 1,614,004 alleles (0.00019%); highest among the groups gnomAD compares: Admixed American, 0.0017%; no homozygotes.

Submission:

Labcorp Genetics (formerly Invitae), Labcorp
Classification: Uncertain significance. Last evaluated: 2024-04-02. Review status: criteria provided, single submitter. Criteria: Invitae Variant Classification Sherloc (09022015). Collection method: clinical testing. Allele origin: germline.
Comment: This sequence change replaces phenylalanine, which is neutral and non-polar, with leucine, which is neutral and non-polar, at codon 135 of the DNASE1L3 protein (p.Phe135Leu). This variant is not present in population databases (gnomAD no frequency). This variant has not been reported in the literature in individuals affected with DNASE1L3-related conditions. An algorithm developed to predict the effect of missense changes on protein structure and function (PolyPhen-2) suggests that this variant is likely to be disruptive. In summary, the available evidence is currently insufficient to determine the role of this variant in disease. Therefore, it has been classified as a Variant of Uncertain Significance.

NM_004944.4(DNASE1L3):c.403T>C (p.Phe135Leu)

Gene: DNASE1L3 (deoxyribonuclease 1L3; minus strand). Cytogenetic location: 3p14.3.
Variant type: single nucleotide variant.
Coding change: c.403T>C on transcript NM_004944.4 (MANE Select); coding-DNA position 403, T replaced by C.
Protein change: p.Phe135Leu; replaces phenylalanine 135 with leucine.
Molecular consequence: missense variant.
Genome position (GRCh38, 1-based): chr3:58,204,799, A>G on the plus strand (T>C on the coding strand, the complement: DNASE1L3 is on the minus strand). VCF-style: chr3-58204799-A-G. GRCh37 (hg19) VCF-style: chr3-58190526-A-G.
Other names: c.313T>C, p.Phe105Leu (NM_001256560.2); short protein forms F105L, F135L.
Identifiers: ClinVar variation 3607637 (VCV003607637.2).